The following is an entry in ClinVar:

NM_001692.4(ATP6V1B1):c.1248+1G>C

Gene: ATP6V1B1 (ATPase H+ transporting V1 subunit B1; plus strand). Cytogenetic location: 2p13.3.
Variant type: single nucleotide variant.
Coding change: c.1248+1G>C on transcript NM_001692.4 (MANE Select); the canonical splice donor site of the intron after coding-DNA position 1248, G replaced by C.
Molecular consequence: splice donor variant.
Genome position (GRCh38, 1-based): chr2:70,964,543, G>C. VCF-style: chr2-70964543-G-C. GRCh37 (hg19) VCF-style: chr2-71191673-G-C.
Other names: IVS12DS, G-C, +1.
Identifiers: ClinVar variation 555327 (VCV000555327.14), dbSNP rs1553420702, ClinGen allele CA347187880.

ClinVar aggregate classification (germline): Pathogenic/Likely pathogenic. Review status: criteria provided, multiple submitters, no conflicts (2 of 4 stars). 6 submissions from 6 submitters: Pathogenic (3); Likely pathogenic (1). 2 of the submissions do not count toward it. Last evaluated 2024-06-18.

Conditions:
Renal tubular acidosis with progressive nerve deafness. Also called: RENAL TUBULAR ACIDOSIS, AUTOSOMAL RECESSIVE, WITH PROGRESSIVE NERVE DEAFNESS; RTA WITH PROGRESSIVE NERVE DEAFNESS; renal tubular acidosis, distal, 2, with progressive sensorineural hearing loss; Distal Renal Tubular Acidosis with Progressive Sensorineural Deafness. Identifiers: MedGen C0403554, MONDO:0009968, OMIM 267300.

Allele frequency attached by ClinVar (database versions not stated): gnomAD exomes below 0.00001; gnomAD 0.00001.
gnomAD v4.1: 7 of 1,613,956 alleles (0.00043%); highest among the groups gnomAD compares: Admixed American, 0.01%; no homozygotes.

Submissions (6):

Natera, Inc.
Classification: Likely pathogenic for Renal tubular acidosis with progressive nerve deafness. Last evaluated: 2024-06-18. Review status: criteria provided, single submitter. Criteria: Natera Variant Classification Schema (03/2026). Collection method: clinical testing. Allele origin: germline.
Comment: The c.1248+1G>C variant in ATP6V1B1 is a canonical splice donor site variant predicted to affect pre-mRNA splicing, which may result in an abnormal transcript and altered protein product. This variant may result in a truncated or dysfunctional protein product. This variant is rare in the general population with a frequency below the threshold expected for the associated phenotype(s). This variant has been observed in one or more individuals affected with the associated recessive disease, as either homozygous or compound heterozygous with a second variant (PMID: 18798332). This variant has been observed to segregate in affected family members (PMID: 18798332). Given the available evidence, this variant is classified as Likely Pathogenic.

Labcorp Genetics (formerly Invitae), Labcorp
Classification: Pathogenic. Last evaluated: 2021-10-26. Review status: criteria provided, single submitter. Criteria: Invitae Variant Classification Sherloc (09022015). Collection method: clinical testing. Allele origin: germline.
Comment: For these reasons, this variant has been classified as Pathogenic. Algorithms developed to predict the effect of sequence changes on RNA splicing suggest that this variant may disrupt the consensus splice site. ClinVar contains an entry for this variant (Variation ID: 555327). Disruption of this splice site has been observed in individual(s) with ATP6V1B1-related conditions (PMID: 18798332). It has also been observed to segregate with disease in related individuals. This variant is present in population databases (no rsID available, gnomAD 0.003%). This sequence change affects a donor splice site in intron 12 of the ATP6V1B1 gene. It is expected to disrupt RNA splicing. Variants that disrupt the donor or acceptor splice site typically lead to a loss of protein function (PMID: 16199547), and loss-of-function variants in ATP6V1B1 are known to be pathogenic (PMID: 9916796, 18368028).

Revvity Omics, Revvity
Classification: Pathogenic for Renal tubular acidosis with progressive nerve deafness. Last evaluated: 2020-11-14. Review status: criteria provided, single submitter. Criteria: ACMG Guidelines, 2015. Collection method: clinical testing. Allele origin: germline.

Fulgent Genetics
Classification: Pathogenic for Renal tubular acidosis with progressive nerve deafness. Last evaluated: 2018-10-31. Review status: criteria provided, single submitter. Criteria: ACMG Guidelines, 2015. Collection method: clinical testing. Allele origin: unknown.

Counsyl
Classification: Pathogenic for Renal tubular acidosis with progressive nerve deafness. Last evaluated: 2017-11-28. Review status: no assertion criteria provided. Collection method: clinical testing. Allele origin: unknown. Not counted in ClinVar's aggregate classification.

OMIM
Classification: Pathogenic for RENAL TUBULAR ACIDOSIS, DISTAL, 2, WITH PROGRESSIVE SENSORINEURAL HEARING LOSS. Last evaluated: 2008-10-15. Review status: no assertion criteria provided. Collection method: literature only. Allele origin: germline. Not counted in ClinVar's aggregate classification.

Literature cited by the submitters: PubMed 18798332 (cited by 4 submitters); PubMed 16199547 (cited by Labcorp Genetics (formerly Invitae), Labcorp); PubMed 9916796 (cited by Labcorp Genetics (formerly Invitae), Labcorp); PubMed 18368028 (cited by Labcorp Genetics (formerly Invitae), Labcorp).